The following is an entry in ClinVar:

NM_000059.4(BRCA2):c.7548del (p.Thr2517fs)

Gene: BRCA2 (BRCA2 DNA repair associated; plus strand). Cytogenetic location: 13q13.1.
Variant type: Deletion.
Coding change: c.7548del on transcript NM_000059.4 (MANE Select); coding-DNA position 7548, one base deleted (C; older notation c.7548delC).
Protein change: p.Thr2517fs; shifts the reading frame from threonine 2517.
Molecular consequence: frameshift variant.
Genome position (GRCh38, 1-based): chr13:32,356,540, C deleted; the last of 2 consecutive C bases (chr13:32,356,539-32,356,540); deleting either gives the same sequence. VCF-style (leftmost placement, unchanged base first): chr13-32356538-TC-T. GRCh37 (hg19) VCF-style: chr13-32930675-TC-T.
Other names: c.7452delC, p.Thr2485Leufs (NM_001406719.1); c.7548delC, p.Thr2517Leufs (NM_001406720.1); c.2616delC, p.Thr873Leufs (NM_001406721.1); c.1131delC, p.Thr378Leufs (NM_001406722.1); short protein forms T2517fs.
Identifiers: ClinVar variation 2053109 (VCV002053109.4), dbSNP rs2548541531, ClinGen allele CA2580087479.

ClinVar aggregate classification (germline): Pathogenic (1 of 4 stars; one submission).

Conditions:
Hereditary breast ovarian cancer syndrome. Also called: Hereditary breast and ovarian cancer syndrome; Hereditary breast and ovarian cancer syndrome (HBOC); Breast and ovarian cancer; Hereditary breast and ovarian cancer; BRCA1- and BRCA2-Associated Hereditary Breast and Ovarian Cancer; Hereditary breast and/or ovarian cancer syndrome. Identifiers: Orphanet 145, MedGen C0677776, MeSH D061325, MONDO:0003582. Disease mechanism: loss of function.

Submission:

Labcorp Genetics (formerly Invitae), Labcorp
Classification: Pathogenic for Hereditary breast ovarian cancer syndrome. Last evaluated: 2023-05-23. Review status: criteria provided, single submitter. Criteria: Invitae Variant Classification Sherloc (09022015). Collection method: clinical testing. Allele origin: germline.
Comment: This sequence change creates a premature translational stop signal (p.Thr2517Leufs*7) in the BRCA2 gene. It is expected to result in an absent or disrupted protein product. Loss-of-function variants in BRCA2 are known to be pathogenic (PMID: 20104584). This variant is not present in population databases (gnomAD no frequency). This variant has not been reported in the literature in individuals affected with BRCA2-related conditions. ClinVar contains an entry for this variant (Variation ID: 2053109). For these reasons, this variant has been classified as Pathogenic.

Literature cited by the submitters: PubMed 20104584.